The following is an entry in ClinVar:

NM_001378609.3(OTOGL):c.6612C>T (p.Tyr2204=)

Gene: OTOGL (otogelin like; plus strand). Cytogenetic location: 12q21.31.
Variant type: single nucleotide variant.
Coding change: c.6612C>T on transcript NM_001378609.3 (MANE Select); coding-DNA position 6612, C replaced by T.
Protein change: p.Tyr2204=; no amino-acid change (tyrosine 2204 retained).
Molecular consequence: synonymous variant.
Genome position (GRCh38, 1-based): chr12:80,368,306, C>T. VCF-style: chr12-80368306-C-T. GRCh37 (hg19) VCF-style: chr12-80762086-C-T.
Other names: c.6477C>T, p.Tyr2159= (NM_001368062.3); c.6612C>T, p.Tyr2204= (NM_001378610.3, NM_173591.7); c.6585C>T (NM_173591.3).
Identifiers: ClinVar variation 2044832 (VCV002044832.7), dbSNP rs145662348, ClinGen allele CA6702078.

ClinVar aggregate classification (germline): Likely benign. Review status: criteria provided, multiple submitters, no conflicts (2 of 4 stars). 3 submissions from 3 submitters: Likely benign (2). 1 of the submissions does not count toward it. Last evaluated 2025-07-27.

Conditions:
OTOGL-related disorder. Also called: OTOGL-related condition.

Allele frequency attached by ClinVar (database versions not stated): gnomAD 0.00003; TOPMed 0.00004; ExAC 0.00008; ESP Exome Variant Server 0.00008.
gnomAD v4.1: 57 of 1,576,344 alleles (0.0036%); highest among the groups gnomAD compares: South Asian, 0.03%; 2 homozygotes.

Submissions (3):

Labcorp Genetics (formerly Invitae), Labcorp
Classification: Likely benign. Last evaluated: 2025-07-27. Review status: criteria provided, single submitter. Criteria: Invitae Variant Classification Sherloc (09022015). Collection method: clinical testing. Allele origin: germline.

Blueprint Genetics
Classification: Likely benign. Last evaluated: 2023-03-01. Review status: criteria provided, single submitter. Criteria: ACMG Guidelines, 2015. Collection method: clinical testing. Allele origin: germline.

PreventionGenetics, part of Exact Sciences
Classification: Likely benign for OTOGL-related condition. Last evaluated: 2024-07-20. Review status: no assertion criteria provided. Collection method: clinical testing. Allele origin: germline. Not counted in ClinVar's aggregate classification.
Comment: This variant is classified as likely benign based on ACMG/AMP sequence variant interpretation guidelines (Richards et al. 2015 PMID: 25741868, with internal and published modifications).